The following is an entry in ClinVar:

NM_001388492.1(HTT):c.809C>T (p.Ala270Val)

Gene: HTT (huntingtin; plus strand). Cytogenetic location: 4p16.3.
Variant type: single nucleotide variant.
Coding change: c.809C>T on transcript NM_001388492.1 (MANE Select); coding-DNA position 809, C replaced by T.
Protein change: p.Ala270Val; replaces alanine 270 with valine.
Molecular consequence: missense variant.
Genome position (GRCh38, 1-based): chr4:3,115,365, C>T. VCF-style: chr4-3115365-C-T. GRCh37 (hg19) VCF-style: chr4-3117092-C-T.
Other names: c.815C>T, p.Ala272Val (NM_002111.8); short protein forms A270V, A272V.
Identifiers: ClinVar variation 1432666 (VCV001432666.6), dbSNP rs894672916, ClinGen allele CA91425653.

ClinVar aggregate classification (germline): Uncertain significance (1 of 4 stars; one submission).

Allele frequency attached by ClinVar (database versions not stated): gnomAD exomes below 0.00001; TOPMed below 0.00001.
gnomAD v4.1: 4 of 1,613,844 alleles (0.00025%); highest among the groups gnomAD compares: Non-Finnish European, 0.00034%; no homozygotes.

Submission:

Labcorp Genetics (formerly Invitae), Labcorp
Classification: Uncertain significance. Last evaluated: 2021-05-12. Review status: criteria provided, single submitter. Criteria: Invitae Variant Classification Sherloc (09022015). Collection method: clinical testing. Allele origin: germline.
Comment: In summary, the available evidence is currently insufficient to determine the role of this variant in disease. Therefore, it has been classified as a Variant of Uncertain Significance. Experimental studies and prediction algorithms are not available or were not evaluated, and the functional significance of this variant is currently unknown. This variant has not been reported in the literature in individuals with HTT-related conditions. This variant is not present in population databases (ExAC no frequency). This sequence change replaces alanine with valine at codon 272 of the HTT protein (p.Ala272Val). The alanine residue is moderately conserved and there is a small physicochemical difference between alanine and valine.